The following is an entry in ClinVar:

NM_000038.6(APC):c.7774G>A (p.Val2592Met)

Gene: APC (APC regulator of Wnt signaling pathway; plus strand). Cytogenetic location: 5q22.2.
Variant type: single nucleotide variant.
Coding change: c.7774G>A on transcript NM_000038.6 (MANE Select); coding-DNA position 7774, G replaced by A.
Protein change: p.Val2592Met; replaces valine 2592 with methionine.
Molecular consequence: missense variant. On other transcripts: non-coding transcript variant (2).
Genome position (GRCh38, 1-based): chr5:112,843,368, G>A. VCF-style: chr5-112843368-G-A. GRCh37 (hg19) VCF-style: chr5-112179065-G-A.
Other names: c.7774G>A, p.Val2592Met (NM_001127510.3, NM_001354895.2, NM_001407450.1); c.7720G>A, p.Val2574Met (NM_001127511.3); c.7828G>A, p.Val2610Met (NM_001354896.2, NM_001407447.1, NM_001407448.1 and 1 more transcripts); c.7804G>A, p.Val2602Met (NM_001354897.2); c.7699G>A, p.Val2567Met (NM_001354898.2); c.7690G>A, p.Val2564Met (NM_001354899.2); c.7651G>A, p.Val2551Met (NM_001354900.2); c.7597G>A, p.Val2533Met (NM_001354901.2, NM_001407453.1); and 11 more; short protein forms V2501M, V2509M, V2602M, V2610M, V2620M, V2208M, V2432M, V2567M.
Identifiers: ClinVar variation 5026084 (VCV005026084.1).

ClinVar aggregate classification (germline): Uncertain significance (1 of 4 stars; one submission).

Conditions:
Hereditary cancer-predisposing syndrome. Also called: Neoplastic Syndromes, Hereditary; Tumor predisposition; Hereditary neoplastic syndrome; Hereditary Cancer Syndrome. Identifiers: Orphanet 140162, MedGen C0027672, MeSH D009386, MONDO:0015356.

Submission:

Ambry Genetics
Classification: Uncertain significance for Hereditary cancer-predisposing syndrome. Last evaluated: 2026-09-04. Review status: criteria provided, single submitter. Criteria: Ambry Variant Classification Scheme 2023. Collection method: clinical testing. Allele origin: germline.
Comment: The p.V2592M variant (also known as c.7774G>A), located in coding exon 15 of the APC gene, results from a G to A substitution at nucleotide position 7774. The valine at codon 2592 is replaced by methionine, an amino acid with highly similar properties. This amino acid position is conserved. In addition, in silico predictors for this gene do not accurately predict pathogenicity. Based on the available evidence, the clinical significance of this variant remains unclear.